The following is an entry in ClinVar:

ClinVar aggregate classification (germline): Uncertain significance (1 of 4 stars; one submission).

Conditions:
Amyotrophic lateral sclerosis type 21. Also called: MYOPATHY, DISTAL, 2; VOCAL CORD AND PHARYNGEAL DYSFUNCTION WITH DISTAL MYOPATHY. Identifiers: Orphanet 600, Orphanet 803, MedGen C3807521, MONDO:0011632, OMIM 606070.

Submission:

Labcorp Genetics (formerly Invitae), Labcorp
Classification: Uncertain significance for Amyotrophic lateral sclerosis type 21. Last evaluated: 2025-11-05. Review status: criteria provided, single submitter. Criteria: Invitae Variant Classification Sherloc (09022015). Collection method: clinical testing. Allele origin: germline.
Comment: This sequence change replaces lysine, which is basic and polar, with threonine, which is neutral and polar, at codon 475 of the MATR3 protein (p.Lys475Thr). This variant is not present in population databases (gnomAD no frequency). This variant has not been reported in the literature in individuals affected with MATR3-related conditions. Invitae Evidence Modeling of protein sequence and biophysical properties (such as structural, functional, and spatial information, amino acid conservation, physicochemical variation, residue mobility, and thermodynamic stability) indicates that this missense variant is expected to disrupt MATR3 protein function with a positive predictive value of 80%. In summary, the available evidence is currently insufficient to determine the role of this variant in disease. Therefore, it has been classified as a Variant of Uncertain Significance.

NM_018834.6(MATR3):c.1424A>C (p.Lys475Thr)

Gene: MATR3 (matrin 3; plus strand). Cytogenetic location: 5q31.2.
Variant type: single nucleotide variant.
Coding change: c.1424A>C on transcript NM_018834.6 (MANE Select); coding-DNA position 1424, A replaced by C.
Protein change: p.Lys475Thr; replaces lysine 475 with threonine.
Molecular consequence: missense variant.
Genome position (GRCh38, 1-based): chr5:139,319,023, A>C. VCF-style: chr5-139319023-A-C. GRCh37 (hg19) VCF-style: chr5-138654712-A-C.
Other names: c.1424A>C, p.Lys475Thr (NM_001194954.2, NM_001194955.2, NM_001400441.1 and 16 more transcripts); c.560A>C, p.Lys187Thr (NM_001194956.2); c.410A>C, p.Lys137Thr (NM_001282278.2, NM_001400460.1, NM_001400462.1 and 5 more transcripts); c.563A>C, p.Lys188Thr (NM_001400459.1); c.524A>C, p.Lys175Thr (NM_001400461.1); short protein forms K187T, K188T, K475T, K137T, K175T.
Identifiers: ClinVar variation 4743942 (VCV004743942.1).